The following is an entry in ClinVar:

ClinVar aggregate classification (germline): Pathogenic (1 of 4 stars; one submission).

Conditions:
Mendelian susceptibility to mycobacterial diseases due to complete IL12RB1 deficiency. Also called: IL12RB1 DEFICIENCY; Immunodeficiency 30. Identifiers: Orphanet 319552, MedGen C4013949, MONDO:0013955, OMIM 614891.

Submission:

Labcorp Genetics (formerly Invitae), Labcorp
Classification: Pathogenic for Mendelian susceptibility to mycobacterial diseases due to complete IL12RB1 deficiency. Last evaluated: 2019-11-06. Review status: criteria provided, single submitter. Criteria: Invitae Variant Classification Sherloc (09022015). Collection method: clinical testing. Allele origin: germline.
Comment: For these reasons, this variant has been classified as Pathogenic. Loss-of-function variants in IL12RB1 are known to be pathogenic (PMID: 9603733, 12591909). This variant has not been reported in the literature in individuals with IL12RB1-related conditions. This variant is not present in population databases (ExAC no frequency). This sequence change creates a premature translational stop signal (p.Pro424Leufs*30) in the IL12RB1 gene. It is expected to result in an absent or disrupted protein product.

Literature cited by the submitters: PubMed 9603733; PubMed 12591909.

NM_005535.3(IL12RB1):c.1266_1279del (p.Pro424fs)

Gene: IL12RB1 (interleukin 12 receptor subunit beta 1; minus strand). Cytogenetic location: 19p13.11.
Variant type: Deletion.
Coding change: c.1266_1279del on transcript NM_005535.3 (MANE Select); coding-DNA positions 1266 to 1279, 14 bases deleted (GCACCCCGAGAAGC).
Protein change: p.Pro424fs; shifts the reading frame from proline 424.
Molecular consequence: frameshift variant.
Genome position (GRCh38, 1-based): chr19:18,068,437-18,068,450, GCTTCTCGGGGTGC deleted on the plus strand (GCACCCCGAGAAGC on the coding strand, the reverse complement: IL12RB1 is on the minus strand); deleting any 14 consecutive bases within chr19:18,068,437-18,068,452 gives the same sequence; the c. name uses the placement nearest the transcript's 3' end. VCF-style (leftmost placement, unchanged base first): chr19-18068436-AGCTTCTCGGGGTGC-A. GRCh37 (hg19) VCF-style: chr19-18179246-AGCTTCTCGGGGTGC-A.
Other names: c.1266_1279del, p.Pro424fs (NM_001290023.2); c.1384_1397delGCGCACCCCGAGAA, p.Pro464Leufs (NM_001290024.2); short protein forms P424fs, P464fs.
Identifiers: ClinVar variation 961244 (VCV000961244.7), dbSNP rs1428057753, ClinGen allele CA632093384.